The following is an entry in ClinVar:

ClinVar aggregate classification (germline): Pathogenic (1 of 4 stars; one submission).

Conditions:
Familial cylindromatosis. Also called: ANCELL-SPIEGLER CYLINDROMAS; Turban tumor syndrome. Identifiers: Orphanet 211, Orphanet 79493, MedGen C1851526, MONDO:0007565, OMIM 132700.

Submission:

Genomic Diagnostic Laboratory, Division of Genomic Diagnostics, Children's Hospital of Philadelphia
Classification: Pathogenic for Cylindromatosis, familial. Last evaluated: 2016-09-23. Review status: criteria provided, single submitter. Criteria: DGD Variant Analysis Guidelines. Collection method: clinical testing. Allele origin: germline. Affected: yes. Observed: 1 variant allele.
Comment: Clinical Testing

NM_001378743.1(CYLD):c.1658_1661del (p.Asn553fs)

Gene: CYLD (CYLD lysine 63 deubiquitinase; plus strand). Cytogenetic location: 16q12.1.
Variant type: Deletion.
Coding change: c.1658_1661del on transcript NM_001378743.1 (MANE Select); coding-DNA positions 1658 to 1661, 4 bases deleted (ATCA; older notation c.1658_1661delATCA).
Protein change: p.Asn553fs; shifts the reading frame from asparagine 553.
Molecular consequence: frameshift variant.
Genome position (GRCh38, 1-based): chr16:50,781,385-50,781,388, ATCA deleted; deleting any 4 consecutive bases within chr16:50,781,383-50,781,388 gives the same sequence; the c. name uses the placement nearest the transcript's 3' end. VCF-style (leftmost placement, unchanged base first): chr16-50781382-CCAAT-C. GRCh37 (hg19) VCF-style: chr16-50815293-CCAAT-C.
Other names: c.1649_1652del, p.Asn550fs (NM_001042355.2, NM_001042412.3, NM_001378744.1 and 6 more transcripts); c.1619_1622del, p.Asn540fs (NM_001378751.1, NM_001378752.1, NM_001378753.1); c.983_986del, p.Asn328fs (NM_001378754.1, NM_001378755.1); c.1658_1661del, p.Asn553fs (NM_015247.3); c.1658_1661delATCA (NM_015247.2); short protein forms N550fs, N553fs, N328fs, N540fs.
Identifiers: ClinVar variation 267237 (VCV000267237.1), dbSNP rs886040876, ClinGen allele CA10590074.